The following is an entry in ClinVar:

ClinVar aggregate classification (germline): Likely pathogenic (1 of 4 stars; one submission).

Conditions:
Cystic fibrosis (CF). Also called: MUCOVISCIDOSIS. Identifiers: Orphanet 586, MedGen C0010674, MONDO:0009061, OMIM 219700. Disease mechanism: loss of function.

Submission:

Myriad Genetics, Inc.
Classification: Likely pathogenic for Cystic fibrosis. Last evaluated: 2022-02-12. Review status: criteria provided, single submitter. Criteria: Myriad Women's Health Autosomal Recessive and X-Linked Classification Criteria (2021). Collection method: clinical testing. Allele origin: unknown.
Comment: NM_000492.3(CFTR):c.1893_1897del5(E632Pfs*8) is expected to be pathogenic in the context of cystic fibrosis. This variant is predicted to lead to an abnormal or absent protein product due to the creation of a premature termination codon in CFTR, a gene where loss-of-function variants are known to be pathogenic. Please note: this variant was assessed in the context of healthy population screening.

NM_000492.4(CFTR):c.1893_1897del (p.Glu632fs)

Gene: CFTR (CF transmembrane conductance regulator; plus strand). Cytogenetic location: 7q31.2.
Variant type: Deletion.
Coding change: c.1893_1897del on transcript NM_000492.4 (MANE Select); coding-DNA positions 1893 to 1897, 5 bases deleted (AGAAC; older notation c.1893_1897delAGAAC).
Protein change: p.Glu632fs; shifts the reading frame from glutamic acid 632.
Molecular consequence: frameshift variant.
Genome position (GRCh38, 1-based): chr7:117,592,060-117,592,064, AGAAC deleted; deleting any 5 consecutive bases within chr7:117,592,059-117,592,064 gives the same sequence; the c. name uses the placement nearest the transcript's 3' end. VCF-style (leftmost placement, unchanged base first): chr7-117592058-TCAGAA-T. GRCh37 (hg19) VCF-style: chr7-117232112-TCAGAA-T.
Other names: short protein forms E632fs.
Identifiers: ClinVar variation 1724371 (VCV001724371.2), dbSNP rs2485109352, ClinGen allele CA2580076505.